The following is an entry in ClinVar:

ClinVar aggregate classification (germline): Uncertain significance. Review status: criteria provided, multiple submitters, no conflicts (2 of 4 stars). 2 submissions from 2 submitters: Uncertain significance (2). Last evaluated 2022-06-21.

Conditions:
Microcephaly, normal intelligence and immunodeficiency (NBS). Also called: BERLIN BREAKAGE SYNDROME; Immunodeficiency, microcephaly with normal intelligence; Nijmegen breakage syndrome; Microcephaly with normal intelligence immunodeficiency and lymphoreticular malignancies; Nonsyndromal microcephaly autosomal recessive with normal intelligence; Seemanova syndrome 2. Identifiers: Orphanet 647, MedGen C0398791, MONDO:0009623, OMIM 251260.
Hereditary cancer-predisposing syndrome. Also called: Hereditary neoplastic syndrome; Neoplastic Syndromes, Hereditary; Tumor predisposition; Hereditary Cancer Syndrome. Identifiers: Orphanet 140162, MedGen C0027672, MeSH D009386, MONDO:0015356.

Submissions (2):

Ambry Genetics
Classification: Uncertain significance for Hereditary cancer-predisposing syndrome. Last evaluated: 2022-06-21. Review status: criteria provided, single submitter. Criteria: Ambry Variant Classification Scheme 2023. Collection method: clinical testing. Allele origin: germline.
Comment: The p.K236N variant (also known as c.708G>T), located in coding exon 7 of the NBN gene, results from a G to T substitution at nucleotide position 708. The lysine at codon 236 is replaced by asparagine, an amino acid with similar properties. This amino acid position is highly conserved in available vertebrate species. In addition, this alteration is predicted to be tolerated by in silico analysis. Since supporting evidence is limited at this time, the clinical significance of this alteration remains unclear.

Labcorp Genetics (formerly Invitae), Labcorp
Classification: Uncertain significance for Microcephaly, normal intelligence and immunodeficiency. Last evaluated: 2020-10-09. Review status: criteria provided, single submitter. Criteria: Invitae Variant Classification Sherloc (09022015). Collection method: clinical testing. Allele origin: germline.
Comment: In summary, the available evidence is currently insufficient to determine the role of this variant in disease. Therefore, it has been classified as a Variant of Uncertain Significance. Algorithms developed to predict the effect of missense changes on protein structure and function are either unavailable or do not agree on the potential impact of this missense change (SIFT: "Tolerated"; PolyPhen-2: "Possibly Damaging"; Align-GVGD: "Class C0"). This variant has not been reported in the literature in individuals with NBN-related conditions. This variant is not present in population databases (ExAC no frequency). This sequence change replaces lysine with asparagine at codon 236 of the NBN protein (p.Lys236Asn). The lysine residue is moderately conserved and there is a moderate physicochemical difference between lysine and asparagine.

NM_002485.5(NBN):c.708G>T (p.Lys236Asn)

Gene: NBN (nibrin; minus strand). Cytogenetic location: 8q21.3.
Variant type: single nucleotide variant.
Coding change: c.708G>T on transcript NM_002485.5 (MANE Select); coding-DNA position 708, G replaced by T.
Protein change: p.Lys236Asn; replaces lysine 236 with asparagine.
Molecular consequence: missense variant.
Genome position (GRCh38, 1-based): chr8:89,970,552, C>A on the plus strand (G>T on the coding strand, the complement: NBN is on the minus strand). VCF-style: chr8-89970552-C-A. GRCh37 (hg19) VCF-style: chr8-90982780-C-A.
Other names: c.462G>T, p.Lys154Asn (NM_001024688.3); short protein forms K154N, K236N.
Identifiers: ClinVar variation 1025023 (VCV001025023.11), dbSNP rs1811466776, ClinGen allele CA371658891.